The following is an entry in ClinVar:

NM_000383.4(AIRE):c.652+15G>A

Gene: AIRE (autoimmune regulator; plus strand). Cytogenetic location: 21q22.3.
Variant type: single nucleotide variant.
Coding change: c.652+15G>A on transcript NM_000383.4 (MANE Select); 15 bases into the intron after coding-DNA position 652, G replaced by A.
Molecular consequence: intron variant.
Genome position (GRCh38, 1-based): chr21:44,288,473, G>A. VCF-style: chr21-44288473-G-A. GRCh37 (hg19) VCF-style: chr21-45708356-G-A.
Identifiers: ClinVar variation 1032326 (VCV001032326.9), dbSNP rs760027964, ClinGen allele CA10051655.

ClinVar aggregate classification (germline): Conflicting classifications of pathogenicity. Review status: criteria provided, conflicting classifications (1 of 4 stars). 2 submissions from 2 submitters: Uncertain significance (1); Benign (1). Last evaluated 2026-01-28.

Conditions:
Polyglandular autoimmune syndrome, type 1 (APS1). Also called: AUTOIMMUNE POLYENDOCRINE SYNDROME, TYPE I, WITH OR WITHOUT REVERSIBLE METAPHYSEAL DYSPLASIA; Autoimmune polyendocrine syndrome type 1; PGA I; HYPOADRENOCORTICISM WITH HYPOPARATHYROIDISM AND SUPERFICIAL MONILIASIS; Whitaker syndrome; APS I. Identifiers: Orphanet 3453, MedGen C0085859, MONDO:0009411, OMIM 240300.

Allele frequency attached by ClinVar (database versions not stated): gnomAD 0.00007; gnomAD exomes 0.00012 and 0.00055; TOPMed 0.00032; ExAC 0.00043.
gnomAD v4.1: 172 of 1,552,800 alleles (0.011%); highest among the groups gnomAD compares: Admixed American, 0.27%; 1 homozygote.

Submissions (2):

Labcorp Genetics (formerly Invitae), Labcorp
Classification: Benign for Polyglandular autoimmune syndrome, type 1. Last evaluated: 2026-01-28. Review status: criteria provided, single submitter. Criteria: Invitae Variant Classification Sherloc (09022015). Collection method: clinical testing. Allele origin: germline.

Baylor Genetics
Classification: Uncertain significance for Polyglandular autoimmune syndrome, type 1. Last evaluated: 2018-02-19. Review status: criteria provided, single submitter. Criteria: ACMG Guidelines, 2015. Collection method: clinical testing. Allele origin: paternal. Affected: yes.
Comment: This variant was determined to be of uncertain significance according to ACMG Guidelines, 2015 [PMID:25741868].